The following is an entry in ClinVar:

ClinVar aggregate classification (germline): Pathogenic/Likely pathogenic. Review status: criteria provided, multiple submitters, no conflicts (2 of 4 stars). 16 submissions from 15 submitters: Pathogenic (11); Likely pathogenic (1). 4 of the submissions do not count toward it. Last evaluated 2025-12-10.

Conditions:
TBCE-related disorder. Also called: TBCE-related disorders; TBCE-related condition.
Encephalopathy, progressive, with amyotrophy and optic atrophy (PEAMO). Identifiers: MedGen C4310667, MONDO:0014968, OMIM 617207.
Autosomal recessive Kenny-Caffey syndrome (KCS1). Identifiers: Orphanet 2333, Orphanet 93324, MedGen C1855648, MONDO:0009486, OMIM 244460.
Hypoparathyroidism-retardation-dysmorphism syndrome (HRDS). Also called: SANJAD-SAKATI SYNDROME. Identifiers: Orphanet 2323, MedGen C1855840, MONDO:0009426, OMIM 241410.

Submissions (16):

3billion
Classification: Pathogenic for Hypoparathyroidism-retardation-dysmorphism syndrome. Last evaluated: 2025-12-10. Review status: criteria provided, single submitter. Criteria: ACMG Guidelines, 2015. Collection method: clinical testing. Allele origin: germline. Affected: yes.
Comment: The variant is observed at an extremely low frequency in the gnomAD v4.1.0 dataset (total allele frequency: <0.001%). Predicted Consequence/Location: Inframe deletion located in a nonrepeat region: predicted to change the length of the protein and disrupt normal protein function. Functional studies provide strong evidence of the variant having a damaging effect on the gene or gene product (PMID: 12389028). The variant has been observed in multiple (>3) similarly affected unrelated individuals (PMID: 12389028, 20152369, 25097779, 26231322, 26336027, 30080992, 30638765). The variant has been reported at least twice as pathogenic with clinical assertions and evidence for the classification (ClinVar ID: VCV000005290 /PMID: 12389028 /3billion dataset). Therefore, this variant is classified as Pathogenic according to the recommendation of ACMG/AMP guideline.

Revvity Omics, Revvity
Classification: Pathogenic. Last evaluated: 2025-06-27. Review status: criteria provided, single submitter. Criteria: ACMG Guidelines, 2015. Collection method: clinical testing. Allele origin: germline.

GeneDx
Classification: Pathogenic. Last evaluated: 2024-08-14. Review status: criteria provided, single submitter. Criteria: GeneDx Variant Classification Process June 2021. Collection method: clinical testing. Allele origin: germline. Affected: yes.
Comment: In-frame deletion of 4 amino acids in a non-repeat region; In silico analysis supports a deleterious effect on protein structure/function; This variant is associated with the following publications: (PMID: 30080992, 29620724, 20152369, 26336027, 25097779, 30049826, 30638765, 26231322, 31589614, 36258138, 34374989, 35935360, 12389028)

Daryl Scott Lab, Baylor College of Medicine
Classification: Pathogenic for TBCE-related disorder. Last evaluated: 2024-04-01. Review status: criteria provided, single submitter. Criteria: ACMG Guidelines, 2015. Collection method: clinical testing. Allele origin: biparental. Affected: yes. Observed: 1 homozygote.
Comment: PS3, PS4

Genomic Medicine Center of Excellence, King Faisal Specialist Hospital and Research Centre
Classification: Pathogenic for Encephalopathy, progressive, with amyotrophy and optic atrophy. Last evaluated: 2024-03-25. Review status: criteria provided, single submitter. Criteria: ACMG Guidelines, 2015. Collection method: clinical testing. Allele origin: germline.

Labcorp Genetics (formerly Invitae), Labcorp
Classification: Pathogenic. Last evaluated: 2023-01-13. Review status: criteria provided, single submitter. Criteria: Invitae Variant Classification Sherloc (09022015). Collection method: clinical testing. Allele origin: germline.
Comment: For these reasons, this variant has been classified as Pathogenic. ClinVar contains an entry for this variant (Variation ID: 5290). This variant has been observed in individuals with hypoparathyroidism-retardation-dysmorphism syndrome (PMID: 12389028, 20152369, 26231322, 30080992). It is commonly reported in individuals of Middle Eastern ancestry (PMID: 12389028, 30080992). This variant is present in population databases (rs767004810, gnomAD 0.006%). This variant, c.155_166del, results in the deletion of 4 amino acid(s) of the TBCE protein (p.Ser52_Gly55del), but otherwise preserves the integrity of the reading frame.

Blueprint Genetics
Classification: Pathogenic for TBCE-related disorders. Last evaluated: 2022-10-18. Review status: criteria provided, single submitter. Criteria: ACMG Guidelines, 2015. Collection method: clinical testing. Allele origin: germline. Affected: yes. Observed: 5 variant alleles.

CENTOGENE GmbH and LLC - Guiding Precision Medicine
Classification: Pathogenic for Hypoparathyroidism-retardation-dysmorphism syndrome. Last evaluated: 2021-07-20. Review status: criteria provided, single submitter. Criteria: ACMG Guidelines, 2015. Collection method: clinical testing. Allele origin: germline. Affected: yes.

Centre for Translational Omics - GOSgene, University College London
Classification: Likely pathogenic for Hypoparathyroidism-retardation-dysmorphism syndrome. Last evaluated: 2018-03-16. Review status: criteria provided, single submitter. Criteria: ACMG Guidelines, 2015. Collection method: clinical testing. Allele origin: inherited. Affected: yes.

Department of Genetics, Sultan Qaboos University Hospital
Classification: Pathogenic for Hypoparathyroidism-retardation-dysmorphism syndrome. Last evaluated: 2017-12-30. Review status: criteria provided, single submitter. Criteria: ACMG Guidelines, 2015. Collection method: clinical testing. Allele origin: unknown. Affected: yes.

Center for Pediatric Genomic Medicine, Children's Mercy Hospital and Clinics
Classification: Pathogenic. Last evaluated: 2014-12-18. Review status: criteria provided, single submitter. Criteria: ACMG Guidelines, 2015. Collection method: clinical testing. Allele origin: germline.

Pathology and Clinical Laboratory Medicine, King Fahad Medical City
Classification: Pathogenic for Hypoparathyroidism-retardation-dysmorphism syndrome. Review status: criteria provided, single submitter. Criteria: ACMG Guidelines, 2015. Collection method: clinical testing. Allele origin: germline. Affected: yes. Observed: 10 variant alleles.

Clinical Laboratory Sciences Program (CLSP), King Saud bin Abdulaziz University for Health Sciences (KSAU-HS)
Classification: Pathogenic for Hypoparathyroidism-retardation-dysmorphism syndrome. Last evaluated: 2023-04-01. Review status: no assertion criteria provided. Collection method: clinical testing. Allele origin: germline. Affected: yes. Not counted in ClinVar's aggregate classification.

Biochemical Molecular Genetic Laboratory, King Abdulaziz Medical City
Classification: Pathogenic for Hypoparathyroidism-retardation-dysmorphism syndrome. Last evaluated: 2020-02-05. Review status: no assertion criteria provided. Collection method: clinical testing. Allele origin: germline. Affected: yes. Not counted in ClinVar's aggregate classification.

OMIM
Classification: Pathogenic for HYPOPARATHYROIDISM-RETARDATION-DYSMORPHISM SYNDROME. Last evaluated: 2002-11-01. Review status: no assertion criteria provided. Collection method: literature only. Allele origin: germline. Not counted in ClinVar's aggregate classification.

OMIM
Classification: Pathogenic for KENNY-CAFFEY SYNDROME, TYPE 1. Last evaluated: 2002-11-01. Review status: no assertion criteria provided. Collection method: literature only. Allele origin: germline. Not counted in ClinVar's aggregate classification.

Literature cited by the submitters: PubMed 30080992 (cited by 3billion and Labcorp Genetics (formerly Invitae), Labcorp); PubMed 25097779 (cited by 3billion and Department of Genetics, Sultan Qaboos University Hospital); PubMed 26336027 (cited by 3billion and OMIM); PubMed 30638765 (cited by 3billion); PubMed 26231322 (cited by 3billion and Labcorp Genetics (formerly Invitae), Labcorp); PubMed 20152369 (cited by 3billion and Labcorp Genetics (formerly Invitae), Labcorp); PubMed 12389028 (cited by 3 submitters).

NM_003193.5(TBCE):c.155_166del (p.Ser52_Gly55del)

Gene: TBCE (tubulin folding cofactor E; plus strand). Cytogenetic location: 1q42.3.
Variant type: Deletion.
Coding change: c.155_166del on transcript NM_003193.5 (MANE Select); coding-DNA positions 155 to 166, 12 bases deleted (GCCACGAAGGGA).
Protein change: p.Ser52_Gly55del.
Molecular consequence: inframe deletion. On other transcripts: intron variant (1).
Genome position (GRCh38, 1-based): chr1:235,401,557-235,401,568, GCCACGAAGGGA deleted; deleting any 12 consecutive bases within chr1:235,401,553-235,401,568 gives the same sequence; the c. name uses the placement nearest the transcript's 3' end. VCF-style (leftmost placement, unchanged base first): chr1-235401552-TGGGAGCCACGAA-T. GRCh37 (hg19) VCF-style: chr1-235564867-TGGGAGCCACGAA-T.
Other names: c.155_166delGCCACGAAGGGA (NM_003193.4); c.155_166del, p.Ser52_Gly55del (NM_001079515.3, NM_001287801.2); c.-210-12876_-210-12865del (NM_001287802.2).
Identifiers: ClinVar variation 5290 (VCV000005290.39), dbSNP rs767004810, ClinGen allele CA212825.
Genomic context (GRCh38, chr1:235,401,552, plus strand): 5'-TGTTCTGCTAGGACCCTGGTTAGGAGTAGAATGGGACAATCCCGAGAGAGGAAAGCATGA[TGGGAGCCACGAA>T]GGGACTGTGTATTTTAAATGCAGGTAACTTTTCATTATGAATCAGCACGGTCATTTAGTC-3'